The following is an entry in ClinVar:

NM_024312.5(GNPTAB):c.1664A>G (p.Tyr555Cys)

Gene: GNPTAB (N-acetylglucosamine-1-phosphate transferase subunits alpha and beta; minus strand). Cytogenetic location: 12q23.2.
Variant type: single nucleotide variant.
Coding change: c.1664A>G on transcript NM_024312.5 (MANE Select); coding-DNA position 1664, A replaced by G.
Protein change: p.Tyr555Cys; replaces tyrosine 555 with cysteine.
Molecular consequence: missense variant.
Genome position (GRCh38, 1-based): chr12:101,765,253, T>C on the plus strand (A>G on the coding strand, the complement: GNPTAB is on the minus strand). VCF-style: chr12-101765253-T-C. GRCh37 (hg19) VCF-style: chr12-102159031-T-C.
Other names: short protein forms Y555C.
Identifiers: ClinVar variation 2129021 (VCV002129021.4), dbSNP rs770011602, ClinGen allele CA6746546.

ClinVar aggregate classification (germline): Uncertain significance (1 of 4 stars; one submission).

Conditions:
Mucolipidosis type II. Also called: Mucolipidosis 2; ML 2; Inclusion cell disease; Leroy Disease; N-acetylglucosamine 1phosphotransferase deficiency; ML disorder type 2. Identifiers: Orphanet 576, MedGen C2673377, MONDO:0009650, OMIM 252500.
Pseudo-Hurler polydystrophy. Also called: ML IIIA; Mucolipidosis III Alpha/Beta; MUCOLIPIDOSIS IIIA; ML III; ML III ALPHA/BETA; Type III Mucolipidosis. Identifiers: Orphanet 423461, Orphanet 577, MedGen C0033788, MONDO:0018931, OMIM 252600.

Allele frequency attached by ClinVar (database versions not stated): gnomAD exomes below 0.00001; ExAC 0.00001.
gnomAD v4.1: 1 of 1,613,946 alleles (0.000062%); highest among the groups gnomAD compares: Non-Finnish European, 0.000085%; no homozygotes.

Submission:

Labcorp Genetics (formerly Invitae), Labcorp
Classification: Uncertain significance for Pseudo-Hurler polydystrophy; Mucolipidosis type II. Last evaluated: 2022-04-21. Review status: criteria provided, single submitter. Criteria: Invitae Variant Classification Sherloc (09022015). Collection method: clinical testing. Allele origin: germline.
Comment: This sequence change replaces tyrosine, which is neutral and polar, with cysteine, which is neutral and slightly polar, at codon 555 of the GNPTAB protein (p.Tyr555Cys). This variant is present in population databases (rs770011602, gnomAD 0.0009%). This variant has not been reported in the literature in individuals affected with GNPTAB-related conditions. Advanced modeling of protein sequence and biophysical properties (such as structural, functional, and spatial information, amino acid conservation, physicochemical variation, residue mobility, and thermodynamic stability) performed at Invitae indicates that this missense variant is expected to disrupt GNPTAB protein function. In summary, the available evidence is currently insufficient to determine the role of this variant in disease. Therefore, it has been classified as a Variant of Uncertain Significance.